The following is an entry in ClinVar:

NM_003998.4(NFKB1):c.1700C>T (p.Thr567Ile)

Genes: NFKB1 (nuclear factor kappa B subunit 1; plus strand), LOC126807127 (CDK7 strongly-dependent group 2 enhancer GRCh37_chr4:103521788-103522987; plus strand). Cytogenetic location: 4q24.
Variant type: single nucleotide variant.
Coding change: c.1700C>T on transcript NM_003998.4 (MANE Select); coding-DNA position 1700, C replaced by T.
Protein change: p.Thr567Ile; replaces threonine 567 with isoleucine.
Molecular consequence: missense variant.
Genome position (GRCh38, 1-based): chr4:102,600,957, C>T. VCF-style: chr4-102600957-C-T. GRCh37 (hg19) VCF-style: chr4-103522114-C-T.
Other names: c.1697C>T, p.Thr566Ile (NM_001165412.2, NM_001319226.2); short protein forms T566I, T567I.
Identifiers: ClinVar variation 722155 (VCV000722155.12), dbSNP rs4648085, ClinGen allele CA3026230.
Genomic context (GRCh38, chr4:102,600,957, plus strand): 5'-TCTTACACTTAGCAATCATCCACCTTCATTCTCAACTTGTGAGGGATCTACTAGAAGTCA[C>T]ATCTGGTTTGATTTCTGATGACATTATCAACATGAGAAATGATCTGTACCAGGTAAGCAG-3'
Protein context (NP_003989.2, residues 557-577): SQLVRDLLEV[Thr567Ile]SGLISDDIIN

ClinVar aggregate classification (germline): Benign/Likely benign. Review status: criteria provided, multiple submitters, no conflicts (2 of 4 stars). 3 submissions from 3 submitters: Benign (1); Likely benign (1). 1 of the submissions does not count toward it. Last evaluated 2026-01-24.

Conditions:
NFKB1-related disorder. Also called: NFKB1-related condition.

Allele frequency attached by ClinVar (database versions not stated): gnomAD exomes 0.00021 and 0.00049; ExAC 0.00066; 1000 Genomes Project 30x 0.00109; 1000 Genomes Project 0.00120; gnomAD 0.00236 and 0.00265; TOPMed 0.00245; ESP Exome Variant Server 0.00323.
gnomAD v4.1: 676 of 1,612,954 alleles (0.042%); highest among the groups gnomAD compares: African/African-American, 0.85%; 2 homozygotes.

Submissions (3):

Labcorp Genetics (formerly Invitae), Labcorp
Classification: Benign. Last evaluated: 2026-01-24. Review status: criteria provided, single submitter. Criteria: Invitae Variant Classification Sherloc (09022015). Collection method: clinical testing. Allele origin: germline.

Blueprint Genetics
Classification: Likely benign. Last evaluated: 2024-07-19. Review status: criteria provided, single submitter. Criteria: ACMG Guidelines, 2015. Collection method: clinical testing. Allele origin: germline.

PreventionGenetics, part of Exact Sciences
Classification: Likely benign for NFKB1-related condition. Last evaluated: 2024-07-25. Review status: no assertion criteria provided. Collection method: clinical testing. Allele origin: germline. Not counted in ClinVar's aggregate classification.
Comment: This variant is classified as likely benign based on ACMG/AMP sequence variant interpretation guidelines (Richards et al. 2015 PMID: 25741868, with internal and published modifications).